The following is an entry in ClinVar:

NM_000026.4(ADSL):c.483-226G>A

Gene: ADSL (adenylosuccinate lyase; plus strand). Cytogenetic location: 22q13.1.
Variant type: single nucleotide variant.
Coding change: c.483-226G>A on transcript NM_000026.4 (MANE Select); 226 bases into the intron before coding-DNA position 483, G replaced by A.
Molecular consequence: intron variant.
Genome position (GRCh38, 1-based): chr22:40,358,638, G>A. VCF-style: chr22-40358638-G-A. GRCh37 (hg19) VCF-style: chr22-40754642-G-A.
Other names: c.483-226G>A (NM_001363840.3, NM_001123378.3); c.291-226G>A (NM_001317923.2).
Identifiers: ClinVar variation 677686 (VCV000677686.1), dbSNP rs17001854, ClinGen allele CA324456032.
Genomic context (GRCh38, chr22:40,358,638, plus strand): 5'-AGTCTAGAAATAATAATAATTTAAAAATTGCCTCTTGATGAAGAAAGTACTATGCTAATC[G>A]CCTTTTAGTTTCATACTCCTTGACTATTTGTAAATGACATTGAATCTCCGTAACGATTAT-3'

ClinVar aggregate classification (germline): Likely benign (1 of 4 stars; one submission).

Allele frequency attached by ClinVar (database versions not stated): gnomAD 0.00758 and 0.00807; TOPMed 0.00838; 1000 Genomes Project 30x 0.00968; 1000 Genomes Project 0.01018.
gnomAD v4.1: 1,146 of 152,192 alleles (0.75%); highest among the groups gnomAD compares: African/African-American, 2.6%; 14 homozygotes.

Submission:

GeneDx
Classification: Likely benign. Last evaluated: 2018-06-19. Review status: criteria provided, single submitter. Criteria: GeneDx Variant Classification (06012015). Collection method: clinical testing. Allele origin: germline. Affected: yes.
Comment: This variant is considered likely benign or benign based on one or more of the following criteria: it is a conservative change, it occurs at a poorly conserved position in the protein, it is predicted to be benign by multiple in silico algorithms, and/or has population frequency not consistent with disease.